The following is an entry in ClinVar:

NM_153021.5(PLB1):c.1536C>T (p.Gly512=)

Gene: PLB1 (phospholipase B1; plus strand). Cytogenetic location: 2p23.2.
Variant type: single nucleotide variant.
Coding change: c.1536C>T on transcript NM_153021.5 (MANE Select); coding-DNA position 1536, C replaced by T.
Protein change: p.Gly512=; no amino-acid change (glycine 512 retained).
Molecular consequence: synonymous variant. On other transcripts: non-coding transcript variant (1).
Genome position (GRCh38, 1-based): chr2:28,579,677, C>T. VCF-style: chr2-28579677-C-T. GRCh37 (hg19) VCF-style: chr2-28802544-C-T.
Other names: NC_000002.11:g.28802544C>T; c.1569C>T, p.Gly523= (NM_001170585.2).
Identifiers: ClinVar variation 777766 (VCV000777766.30), dbSNP rs114238908, ClinGen allele CA1587543.

ClinVar aggregate classification (germline): Benign/Likely benign. Review status: criteria provided, multiple submitters, no conflicts (2 of 4 stars). 3 submissions from 3 submitters: Benign (2); Likely benign (1). Last evaluated 2023-01-01.

Allele frequency attached by ClinVar (database versions not stated): 1000 Genomes Project 0.00260; 1000 Genomes Project 30x 0.00281; gnomAD exomes 0.00335 and 0.00527; gnomAD 0.00358 and 0.00361; ExAC 0.00363; ESP Exome Variant Server 0.00369; TOPMed 0.00397.
gnomAD v4.1: 8,157 of 1,613,138 alleles (0.51%); highest among the groups gnomAD compares: Non-Finnish European, 0.62%; 27 homozygotes.

Submissions (15):

CeGaT Center for Human Genetics Tuebingen
Classification: Likely benign. Last evaluated: 2023-01-01. Review status: criteria provided, single submitter. Criteria: CeGaT Center For Human Genetics Tuebingen Variant Classification Criteria Version 2. Collection method: clinical testing. Allele origin: germline. Affected: yes. Observed: 1 variant allele.
Comment: PLB1: BP4, BP7

Labcorp Genetics (formerly Invitae), Labcorp
Classification: Benign. Last evaluated: 2019-12-31. Review status: criteria provided, single submitter. Criteria: Invitae Variant Classification Sherloc (09022015). Collection method: clinical testing. Allele origin: germline.

Breakthrough Genomics
Classification: Benign. Review status: criteria provided, single submitter. Criteria: ACMG Guidelines, 2015. Collection method: not provided. Allele origin: germline. Inheritance: Unknown mechanism. Affected: yes.

Dr. Peter K. Rogan Lab, Western University
No classification provided (evidence only). Condition: Malignant tumor of urinary bladder. Review status: no classification provided. Collection method: in vitro. Allele origin: not applicable. Functional consequence: retained intron. Not counted in ClinVar's aggregate classification.

Dr. Peter K. Rogan Lab, Western University
No classification provided (evidence only). Condition: Lung cancer. Review status: no classification provided. Collection method: in vitro. Allele origin: not applicable. Functional consequence: retained intron. Not counted in ClinVar's aggregate classification.

Dr. Peter K. Rogan Lab, Western University
No classification provided (evidence only). Condition: Familial cancer of breast. Review status: no classification provided. Collection method: in vitro. Allele origin: not applicable. Functional consequence: retained intron. Not counted in ClinVar's aggregate classification.

Dr. Peter K. Rogan Lab, Western University
No classification provided (evidence only). Condition: Thyroid cancer, nonmedullary, 1. Review status: no classification provided. Collection method: in vitro. Allele origin: not applicable. Functional consequence: retained intron. Not counted in ClinVar's aggregate classification.

Dr. Peter K. Rogan Lab, Western University
No classification provided (evidence only). Condition: Thyroid cancer, nonmedullary, 1. Review status: no classification provided. Collection method: in vitro. Allele origin: not applicable. Functional consequence: retained intron. Not counted in ClinVar's aggregate classification.

Dr. Peter K. Rogan Lab, Western University
No classification provided (evidence only). Condition: Cervical cancer. Review status: no classification provided. Collection method: in vitro. Allele origin: not applicable. Functional consequence: retained intron. Not counted in ClinVar's aggregate classification.

Dr. Peter K. Rogan Lab, Western University
No classification provided (evidence only). Condition: Cervical cancer. Review status: no classification provided. Collection method: in vitro. Allele origin: not applicable. Functional consequence: retained intron. Not counted in ClinVar's aggregate classification.

Dr. Peter K. Rogan Lab, Western University
No classification provided (evidence only). Condition: Cervical cancer. Review status: no classification provided. Collection method: in vitro. Allele origin: not applicable. Functional consequence: retained intron. Not counted in ClinVar's aggregate classification.

Dr. Peter K. Rogan Lab, Western University
No classification provided (evidence only). Condition: Thymoma. Review status: no classification provided. Collection method: in vitro. Allele origin: not applicable. Functional consequence: retained intron. Not counted in ClinVar's aggregate classification.

Dr. Peter K. Rogan Lab, Western University
No classification provided (evidence only). Condition: Ovarian serous cystadenocarcinoma. Review status: no classification provided. Collection method: in vitro. Allele origin: not applicable. Functional consequence: retained intron. Not counted in ClinVar's aggregate classification.

Dr. Peter K. Rogan Lab, Western University
No classification provided (evidence only). Condition: Adrenocortical carcinoma, hereditary. Review status: no classification provided. Collection method: in vitro. Allele origin: not applicable. Functional consequence: retained intron. Not counted in ClinVar's aggregate classification.

Dr. Peter K. Rogan Lab, Western University
No classification provided (evidence only). Condition: Malignant tumor of esophagus. Review status: no classification provided. Collection method: in vitro. Allele origin: not applicable. Functional consequence: retained intron. Not counted in ClinVar's aggregate classification.